The following is an entry in ClinVar:

NM_003072.5(SMARCA4):c.4636-19C>T

Gene: SMARCA4 (SWI/SNF related BAF chromatin remodeling complex subunit ATPase 4; plus strand). Cytogenetic location: 19p13.2.
Variant type: single nucleotide variant.
Coding change: c.4636-19C>T on transcript NM_003072.5 (MANE Select); 19 bases into the intron before coding-DNA position 4636, C replaced by T.
Molecular consequence: intron variant.
Genome position (GRCh38, 1-based): chr19:11,059,734, C>T. VCF-style: chr19-11059734-C-T. GRCh37 (hg19) VCF-style: chr19-11170410-C-T.
Other names: c.4636-19C>T (NM_001128844.3); c.4732-19C>T (NM_001128849.3, NM_001387283.1); c.4537-19C>T (NM_001128847.4, NM_001374457.1); c.4546-19C>T (NM_001128845.2); c.4543-19C>T (NM_001128846.2); c.4534-19C>T (NM_001128848.2).
Identifiers: ClinVar variation 1665311 (VCV001665311.9), dbSNP rs2147112088, ClinGen allele CA2573155638.

ClinVar aggregate classification (germline): Likely benign. Review status: criteria provided, multiple submitters, no conflicts (2 of 4 stars). 2 submissions from 2 submitters: Likely benign (2). Last evaluated 2026-07-08.

Conditions:
Rhabdoid tumor predisposition syndrome 2 (RTPS2). Identifiers: Orphanet 231108, Orphanet 69077, MedGen C2750074, MONDO:0013224, OMIM 613325.

Submissions (2):

Myriad Genetics, Inc.
Classification: Likely benign for Rhabdoid tumor predisposition syndrome 2. Last evaluated: 2026-07-08. Review status: criteria provided, single submitter. Criteria: Myriad Autosomal Dominant, Autosomal Recessive and X-Linked Classification Criteria (2023). Collection method: clinical testing. Allele origin: unknown.
Comment: This variant is considered likely benign. This variant is intronic and is not expected to impact mRNA splicing.

Labcorp Genetics (formerly Invitae), Labcorp
Classification: Likely benign for Rhabdoid tumor predisposition syndrome 2. Last evaluated: 2025-12-14. Review status: criteria provided, single submitter. Criteria: Invitae Variant Classification Sherloc (09022015). Collection method: clinical testing. Allele origin: germline.